The following is an entry in ClinVar:

ClinVar aggregate classification (germline): Benign/Likely benign. Review status: criteria provided, multiple submitters, no conflicts (2 of 4 stars). 8 submissions from 8 submitters: Benign (5); Likely benign (1). 2 of the submissions do not count toward it. Last evaluated 2026-02-01.

Allele frequency attached by ClinVar (database versions not stated): gnomAD exomes 0.00129; ExAC 0.00148; 1000 Genomes Project 0.00439; gnomAD 0.00514 and 0.00559; TOPMed 0.00529; 1000 Genomes Project 30x 0.00531; ESP Exome Variant Server 0.00547.
gnomAD v4.1: 1,632 of 1,609,144 alleles (0.1%); highest among the groups gnomAD compares: African/African-American, 1.7%; 12 homozygotes.

Submissions (8):

Labcorp Genetics (formerly Invitae), Labcorp
Classification: Benign. Last evaluated: 2026-02-01. Review status: criteria provided, single submitter. Criteria: Invitae Variant Classification Sherloc (09022015). Collection method: clinical testing. Allele origin: germline.

Blueprint Genetics
Classification: Likely benign. Last evaluated: 2024-11-25. Review status: criteria provided, single submitter. Criteria: ACMG Guidelines, 2015. Collection method: clinical testing. Allele origin: germline.

Mayo Clinic Laboratories, Mayo Clinic
Classification: Benign. Last evaluated: 2024-11-19. Review status: criteria provided, single submitter. Criteria: ACMG Guidelines, 2015. Collection method: clinical testing. Allele origin: germline. Observed: 2 variant alleles.
Comment: BS1, BS2, BP4, BP7

ARUP Laboratories, Molecular Genetics and Genomics, ARUP Laboratories
Classification: Benign. Last evaluated: 2023-11-03. Review status: criteria provided, single submitter. Criteria: ARUP Molecular Germline Variant Investigation Process 2024. Collection method: clinical testing. Allele origin: germline.

GeneDx
Classification: Benign. Last evaluated: 2019-07-02. Review status: criteria provided, single submitter. Criteria: GeneDx Variant Classification Process June 2021. Collection method: clinical testing. Allele origin: germline. Affected: yes.

Breakthrough Genomics
Classification: Benign. Review status: criteria provided, single submitter. Criteria: ACMG Guidelines, 2015. Collection method: not provided. Allele origin: germline. Inheritance: Autosomal recessive inheritance. Affected: yes.

Clinical Genetics DNA and cytogenetics Diagnostics Lab, Erasmus MC, Erasmus Medical Center
Classification: Benign. Review status: no assertion criteria provided. Collection method: clinical testing. Allele origin: germline. Affected: yes. Study: VKGL Data-share Consensus. Not counted in ClinVar's aggregate classification.

Clinical Genetics, Academic Medical Center
Classification: Benign. Review status: no assertion criteria provided. Collection method: clinical testing. Allele origin: germline. Affected: yes. Study: VKGL Data-share Consensus. Not counted in ClinVar's aggregate classification.

NM_002335.4(LRP5):c.459G>A (p.Pro153=)

Gene: LRP5 (LDL receptor related protein 5; plus strand). Cytogenetic location: 11q13.2.
Variant type: single nucleotide variant.
Coding change: c.459G>A on transcript NM_002335.4 (MANE Select); coding-DNA position 459, G replaced by A.
Protein change: p.Pro153=; no amino-acid change (proline 153 retained).
Molecular consequence: synonymous variant. On other transcripts: 5 prime UTR variant (1).
Genome position (GRCh38, 1-based): chr11:68,348,214, G>A. VCF-style: chr11-68348214-G-A. GRCh37 (hg19) VCF-style: chr11-68115682-G-A.
Other names: p.Pro153=; c.-1307G>A (NM_001291902.2).
Identifiers: ClinVar variation 668439 (VCV000668439.19), dbSNP rs78844574, ClinGen allele CA6148998.